The following is an entry in ClinVar:

ClinVar aggregate classification (germline): Uncertain significance (1 of 4 stars; one submission).

Submission:

GeneDx
Classification: Uncertain significance. Last evaluated: 2024-04-14. Review status: criteria provided, single submitter. Criteria: GeneDx Variant Classification Process June 2021. Collection method: clinical testing. Allele origin: germline. Affected: yes.
Comment: Not observed at significant frequency in large population cohorts (gnomAD); In silico analysis indicates that this missense variant does not alter protein structure/function; Has not been previously published as pathogenic or benign to our knowledge

NM_001170629.2(CHD8):c.5931G>T (p.Leu1977Phe)

Gene: CHD8 (chromodomain helicase DNA binding protein 8; minus strand). Cytogenetic location: 14q11.2.
Variant type: single nucleotide variant.
Coding change: c.5931G>T on transcript NM_001170629.2 (MANE Select); coding-DNA position 5931, G replaced by T.
Protein change: p.Leu1977Phe; replaces leucine 1977 with phenylalanine.
Molecular consequence: missense variant.
Genome position (GRCh38, 1-based): chr14:21,393,864, C>A on the plus strand (G>T on the coding strand, the complement: CHD8 is on the minus strand). VCF-style: chr14-21393864-C-A. GRCh37 (hg19) VCF-style: chr14-21862023-C-A.
Other names: c.5094G>T, p.Leu1698Phe (NM_020920.4); short protein forms L1698F, L1977F.
Identifiers: ClinVar variation 3372538 (VCV003372538.1).